The following is an entry in ClinVar:

ClinVar aggregate classification (germline): Benign/Likely benign. Review status: criteria provided, multiple submitters, no conflicts (2 of 4 stars). 3 submissions from 3 submitters: Benign (1); Likely benign (2). Last evaluated 2024-10-30.

Conditions:
Hereditary cancer-predisposing syndrome. Also called: Neoplastic Syndromes, Hereditary; Hereditary Cancer Syndrome; Hereditary neoplastic syndrome; Tumor predisposition. Identifiers: Orphanet 140162, MedGen C0027672, MeSH D009386, MONDO:0015356.
Hereditary diffuse gastric adenocarcinoma (HDGC). Also called: DIFFUSE GASTRIC AND LOBULAR BREAST CANCER SYNDROME. Identifiers: Orphanet 26106, MedGen C1708349, MONDO:0007648, OMIM 137215.

Submissions (3):

Labcorp Genetics (formerly Invitae), Labcorp
Classification: Likely benign. Last evaluated: 2024-10-30. Review status: criteria provided, single submitter. Criteria: Invitae Variant Classification Sherloc (09022015). Collection method: clinical testing. Allele origin: germline.

Myriad Genetics, Inc.
Classification: Benign for Hereditary diffuse gastric adenocarcinoma. Last evaluated: 2024-10-14. Review status: criteria provided, single submitter. Criteria: Myriad Autosomal Dominant, Autosomal Recessive and X-Linked Classification Criteria (2023). Collection method: clinical testing. Allele origin: unknown.
Comment: This variant is considered benign. This variant is a silent/synonymous amino acid change and it is not expected to impact splicing.

Ambry Genetics
Classification: Likely benign for Hereditary cancer-predisposing syndrome. Last evaluated: 2020-11-04. Review status: criteria provided, single submitter. Criteria: Ambry Variant Classification Scheme 2023. Collection method: clinical testing. Allele origin: germline.

NM_001903.5(CTNNA1):c.1968C>A (p.Val656=)

Gene: CTNNA1 (catenin alpha 1; plus strand). Cytogenetic location: 5q31.2.
Variant type: single nucleotide variant.
Coding change: c.1968C>A on transcript NM_001903.5 (MANE Select); coding-DNA position 1968, C replaced by A.
Protein change: p.Val656=; no amino-acid change (valine 656 retained).
Molecular consequence: synonymous variant.
Genome position (GRCh38, 1-based): chr5:138,929,314, C>A. VCF-style: chr5-138929314-C-A. GRCh37 (hg19) VCF-style: chr5-138265003-C-A.
Other names: c.1968C>A, p.Val656= (NM_001290307.3, NM_001323982.2, NM_001323983.1 and 2 more transcripts); c.1659C>A, p.Val553= (NM_001290309.3); c.1599C>A, p.Val533= (NM_001290310.3); c.858C>A, p.Val286= (NM_001290312.1, NM_001323987.1, NM_001323988.1 and 17 more transcripts); c.1875C>A, p.Val625= (NM_001323986.2); c.519C>A, p.Val173= (NM_001324006.1, NM_001324007.1, NM_001324008.1 and 2 more transcripts); c.765C>A, p.Val255= (NM_001324011.1); c.615C>A, p.Val205= (NM_001324012.1, NM_001324013.1).
Identifiers: ClinVar variation 1119088 (VCV001119088.12), dbSNP rs2150325103, ClinGen allele CA446597693.